The following is an entry in ClinVar:

NM_024685.4(BBS10):c.1901C>G (p.Ala634Gly)

Gene: BBS10 (Bardet-Biedl syndrome 10; minus strand). Cytogenetic location: 12q21.2.
Variant type: single nucleotide variant.
Coding change: c.1901C>G on transcript NM_024685.4 (MANE Select); coding-DNA position 1901, C replaced by G.
Protein change: p.Ala634Gly; replaces alanine 634 with glycine.
Molecular consequence: missense variant.
Genome position (GRCh38, 1-based): chr12:76,346,084, G>C on the plus strand (C>G on the coding strand, the complement: BBS10 is on the minus strand). VCF-style: chr12-76346084-G-C. GRCh37 (hg19) VCF-style: chr12-76739864-G-C.
Other names: c.1901C>G (NM_024685.3); short protein forms A634G.
Identifiers: ClinVar variation 1348371 (VCV001348371.4), dbSNP rs12099880, ClinGen allele CA385809125.

ClinVar aggregate classification (germline): Uncertain significance. Review status: criteria provided, multiple submitters, no conflicts (2 of 4 stars). 2 submissions from 2 submitters: Uncertain significance (2). Last evaluated 2026-08-31.

Conditions:
BBS10-related disorder. Also called: BBS10-related condition.
Bardet-Biedl syndrome (BBS). Identifiers: Orphanet 110, MedGen C0752166, MONDO:0015229.

Allele frequency attached by ClinVar (database versions not stated): gnomAD exomes below 0.00001; TOPMed below 0.00001.

Submissions (2):

PreventionGenetics, part of Exact Sciences
Classification: Uncertain significance for BBS10-related condition. Last evaluated: 2026-08-31. Review status: criteria provided, single submitter. Criteria: ACMG Guidelines, 2015. Collection method: clinical testing. Allele origin: germline.
Comment: The BBS10 c.1901C>G variant is predicted to result in the amino acid substitution p.Ala634Gly. To our knowledge, this variant has not been reported in the literature. This variant is reported in 0.0029% of alleles in individuals of Latino descent in gnomAD. At this time, the clinical significance of this variant is uncertain due to the absence of conclusive functional and genetic evidence.

Labcorp Genetics (formerly Invitae), Labcorp
Classification: Uncertain significance for Bardet-Biedl syndrome. Last evaluated: 2022-09-27. Review status: criteria provided, single submitter. Criteria: Invitae Variant Classification Sherloc (09022015). Collection method: clinical testing. Allele origin: germline.
Comment: This sequence change replaces alanine, which is neutral and non-polar, with glycine, which is neutral and non-polar, at codon 634 of the BBS10 protein (p.Ala634Gly). This variant is present in population databases (no rsID available, gnomAD 0.003%). This variant has not been reported in the literature in individuals affected with BBS10-related conditions. ClinVar contains an entry for this variant (Variation ID: 1348371). Advanced modeling of protein sequence and biophysical properties (such as structural, functional, and spatial information, amino acid conservation, physicochemical variation, residue mobility, and thermodynamic stability) performed at Invitae indicates that this missense variant is expected to disrupt BBS10 protein function. Algorithms developed to predict the effect of sequence changes on RNA splicing suggest that this variant may create or strengthen a splice site. In summary, the available evidence is currently insufficient to determine the role of this variant in disease. Therefore, it has been classified as a Variant of Uncertain Significance.